The following is an entry in ClinVar:

NM_000371.4(TTR):c.200+5G>T

Gene: TTR (transthyretin; plus strand). Cytogenetic location: 18q12.1.
Variant type: single nucleotide variant.
Coding change: c.200+5G>T on transcript NM_000371.4 (MANE Select); 5 bases into the intron after coding-DNA position 200, G replaced by T.
Molecular consequence: intron variant.
Genome position (GRCh38, 1-based): chr18:31,593,031, G>T. VCF-style: chr18-31593031-G-T. GRCh37 (hg19) VCF-style: chr18-29172994-G-T.
Other names: c.200+5G>T (NM_000371.3).
Identifiers: ClinVar variation 3648888 (VCV003648888.3).
Genomic context (GRCh38, chr18:31,593,031, plus strand): 5'-GCCGTGCATGTGTTCAGAAAGGCTGCTGATGACACCTGGGAGCCATTTGCCTCTGGGTAA[G>T]TTGCCAAAGAACCCTCCCACAGGACTTGGTTTTATCTTCCCGTTTGCCCCTCACTTGGTA-3'

ClinVar aggregate classification (germline): Uncertain significance. Review status: criteria provided, multiple submitters, no conflicts (2 of 4 stars). 2 submissions from 2 submitters: Uncertain significance (2). Last evaluated 2025-11-14.

Conditions:
Cardiovascular phenotype. Identifiers: MedGen CN230736.
Amyloidosis, hereditary systemic 1 (AMYLD1). Also called: Familial amyloid polyneuropathy; AMYLOID CARDIOMYOPATHY; Transthyretin Amyloidosis; Hereditary oculoleptomeningeal amyloid angiopathy; Familial Transthyretin Amyloidosis; Isolated Cardiac Amyloidosis. Identifiers: Orphanet 85447, Orphanet 85451, MedGen C2751492, MONDO:0971004, OMIM 105210.

Submissions (2):

Ambry Genetics
Classification: Uncertain significance for Cardiovascular phenotype. Last evaluated: 2025-11-14. Review status: criteria provided, single submitter. Criteria: Ambry Variant Classification Scheme 2023. Collection method: clinical testing. Allele origin: germline.
Comment: The c.200+5G>T intronic variant results from a G to T substitution 5 nucleotides after coding exon 2 in the TTR gene. This nucleotide position is highly conserved in available vertebrate species. In silico splice site analysis predicts that this alteration will not have any significant effect on splicing. Based on the available evidence, the clinical significance of this variant remains unclear.

Labcorp Genetics (formerly Invitae), Labcorp
Classification: Uncertain significance for Amyloidosis, hereditary systemic 1. Last evaluated: 2025-11-05. Review status: criteria provided, single submitter. Criteria: Invitae Variant Classification Sherloc (09022015). Collection method: clinical testing. Allele origin: germline.
Comment: This sequence change falls in intron 2 of the TTR gene. It does not directly change the encoded amino acid sequence of the TTR protein. It affects a nucleotide within the consensus splice site. This variant is not present in population databases (gnomAD no frequency). This variant has not been reported in the literature in individuals affected with TTR-related conditions. ClinVar contains an entry for this variant (Variation ID: 3648888). Variants that disrupt the consensus splice site are a relatively common cause of aberrant splicing (PMID: 17576681, 9536098). Algorithms developed to predict the effect of sequence changes on RNA splicing suggest that this variant is not likely to affect RNA splicing. In summary, the available evidence is currently insufficient to determine the role of this variant in disease. Therefore, it has been classified as a Variant of Uncertain Significance.

Literature cited by the submitters: PubMed 17576681 (cited by Labcorp Genetics (formerly Invitae), Labcorp); PubMed 9536098 (cited by Labcorp Genetics (formerly Invitae), Labcorp).